The following is an entry in ClinVar:

ClinVar aggregate classification (germline): Uncertain significance (1 of 4 stars; one submission).

Submission:

Labcorp Genetics (formerly Invitae), Labcorp
Classification: Uncertain significance. Last evaluated: 2024-02-06. Review status: criteria provided, single submitter. Criteria: Invitae Variant Classification Sherloc (09022015). Collection method: clinical testing. Allele origin: germline.
Comment: This sequence change replaces threonine, which is neutral and polar, with arginine, which is basic and polar, at codon 42 of the CTNNB1 protein (p.Thr42Arg). This variant is not present in population databases (gnomAD no frequency). This variant has not been reported in the literature in individuals affected with CTNNB1-related conditions. Advanced modeling of protein sequence and biophysical properties (such as structural, functional, and spatial information, amino acid conservation, physicochemical variation, residue mobility, and thermodynamic stability) performed at Invitae indicates that this missense variant is not expected to disrupt CTNNB1 protein function with a negative predictive value of 80%. In summary, the available evidence is currently insufficient to determine the role of this variant in disease. Therefore, it has been classified as a Variant of Uncertain Significance.

NM_001904.4(CTNNB1):c.125C>G (p.Thr42Arg)

Genes: CTNNB1 (catenin beta 1; plus strand), LOC126806658 (BRD4-independent group 4 enhancer GRCh37_chr3:41265899-41267098; plus strand). Cytogenetic location: 3p22.1.
Variant type: single nucleotide variant.
Coding change: c.125C>G on transcript NM_001904.4 (MANE Select); coding-DNA position 125, C replaced by G.
Protein change: p.Thr42Arg; replaces threonine 42 with arginine.
Molecular consequence: missense variant.
Genome position (GRCh38, 1-based): chr3:41,224,637, C>G. VCF-style: chr3-41224637-C-G. GRCh37 (hg19) VCF-style: chr3-41266128-C-G.
Other names: c.125C>G, p.Thr42Arg (NM_001098209.2, NM_001098210.2); c.104C>G, p.Thr35Arg (NM_001330729.2); short protein forms T35R, T42R.
Identifiers: ClinVar variation 3683662 (VCV003683662.2).
Genomic context (GRCh38, chr3:41,224,637, plus strand): 5'-TTAGTCACTGGCAGCAACAGTCTTACCTGGACTCTGGAATCCATTCTGGTGCCACTACCA[C>G]AGCTCCTTCTCTGAGTGGTAAAGGCAATCCTGAGGAAGAGGATGTGGATACCTCCCAAGT-3'
Protein context (NP_001895.1, residues 32-52): DSGIHSGATT[Thr42Arg]APSLSGKGNP